The following is an entry in ClinVar:

ClinVar aggregate classification (germline): Uncertain significance (1 of 4 stars; one submission).

Allele frequency attached by ClinVar (database versions not stated): TOPMed below 0.00001; gnomAD 0.00001; gnomAD exomes 0.00001.
gnomAD v4.1: 3 of 1,148,278 alleles (0.00026%); highest among the groups gnomAD compares: Non-Finnish European, 0.00032%; no homozygotes.

Submission:

Women's Health and Genetics/Laboratory Corporation of America, LabCorp
Classification: Uncertain significance. Last evaluated: 2023-10-27. Review status: criteria provided, single submitter. Criteria: LabCorp Variant Classification Summary - May 2015. Collection method: clinical testing. Allele origin: germline.
Comment: Variant summary: GRIN2D c.156C>A (p.Asn52Lys) results in a non-conservative amino acid change in the encoded protein sequence. Three of five in-silico tools predict a damaging effect of the variant on protein function. The variant was absent in 25670 control chromosomes (gnomAD). The available data on variant occurrences in the general population are insufficient to allow any conclusion about variant significance. To our knowledge, no occurrence of c.156C>A in individuals affected with Early Infantile Epileptic Encephalopathy and no experimental evidence demonstrating its impact on protein function have been reported. No submitters have cited clinical-significance assessments for this variant to ClinVar after 2014. Based on the evidence outlined above, the variant was classified as uncertain significance.

NM_000836.4(GRIN2D):c.156C>A (p.Asn52Lys)

Genes: GRIN2D (glutamate ionotropic receptor NMDA type subunit 2D; plus strand), LOC130064855 (ATAC-STARR-seq lymphoblastoid silent region 10879; plus strand). Cytogenetic location: 19q13.33.
Variant type: single nucleotide variant.
Coding change: c.156C>A on transcript NM_000836.4 (MANE Select); coding-DNA position 156, C replaced by A.
Protein change: p.Asn52Lys; replaces asparagine 52 with lysine.
Molecular consequence: missense variant.
Genome position (GRCh38, 1-based): chr19:48,398,548, C>A. VCF-style: chr19-48398548-C-A. GRCh37 (hg19) VCF-style: chr19-48901805-C-A.
Other names: short protein forms N52K.
Identifiers: ClinVar variation 2637514 (VCV002637514.1), dbSNP rs1477215338, ClinGen allele CA406688394.
Genomic context (GRCh38, chr19:48,398,548, plus strand): 5'-GCCGGGGCCGGGCGGGGCCGGTGGGCCCGGCGGCGGCCTCGGCGGGGCGCGGCCGCTCAA[C>A]GTGGCGCTCGTGTTCTCGGGGCCCGCGTACGCGGCCGAGGCGGCACGCCTGGGCCCGGCC-3'
Protein context (NP_000827.2, residues 42-62): GGGLGGARPL[Asn52Lys]VALVFSGPAY